The following is an entry in ClinVar:

NM_002769.5(PRSS1):c.390C>T (p.Thr130=)

Genes: PRSS1 (serine protease 1; plus strand), TRB (T cell receptor beta locus; plus strand). Cytogenetic location: 7q34.
Variant type: single nucleotide variant.
Coding change: c.390C>T on transcript NM_002769.5 (MANE Select); coding-DNA position 390, C replaced by T.
Protein change: p.Thr130=; no amino-acid change (threonine 130 retained).
Molecular consequence: synonymous variant.
Genome position (GRCh38, 1-based): chr7:142,751,963, C>T. VCF-style: chr7-142751963-C-T. GRCh37 (hg19) VCF-style: chr7-142459814-C-T.
Identifiers: ClinVar variation 161990 (VCV000161990.23), dbSNP rs561097415, ClinGen allele CA273027.

ClinVar aggregate classification (germline): Benign/Likely benign. Review status: criteria provided, multiple submitters, no conflicts (2 of 4 stars). 5 submissions from 5 submitters: Benign (1); Likely benign (3). 1 of the submissions does not count toward it. Last evaluated 2024-02-20.

Conditions:
Hereditary pancreatitis (PCTT). Also called: Hereditary chronic pancreatitis; PRSS1-Related Hereditary Pancreatitis. Identifiers: Orphanet 676, MedGen C0238339, MONDO:0008185, OMIM 167800.

Allele frequency attached by ClinVar (database versions not stated): gnomAD exomes 0.00010; gnomAD 0.00012 and 0.00013; 1000 Genomes Project 0.00020; ExAC 0.00023; 1000 Genomes Project 30x 0.00031.
gnomAD v4.1: 302 of 1,612,098 alleles (0.019%); highest among the groups gnomAD compares: Non-Finnish European, 0.023%; no homozygotes.

Submissions (5):

Labcorp Genetics (formerly Invitae), Labcorp
Classification: Likely benign for Hereditary pancreatitis. Last evaluated: 2024-02-20. Review status: criteria provided, single submitter. Criteria: Invitae Variant Classification Sherloc (09022015). Collection method: clinical testing. Allele origin: germline.

ARUP Laboratories, Molecular Genetics and Genomics, ARUP Laboratories
Classification: Likely benign. Last evaluated: 2019-06-26. Review status: criteria provided, single submitter. Criteria: ARUP Molecular Germline Variant Investigation Process. Collection method: clinical testing. Allele origin: germline.

Ambry Genetics
Classification: Likely benign for Hereditary pancreatitis. Last evaluated: 2018-09-21. Review status: criteria provided, single submitter. Criteria: Ambry Variant Classification Scheme 2023. Collection method: clinical testing. Allele origin: germline.

Women's Health and Genetics/Laboratory Corporation of America, LabCorp
Classification: Benign. Last evaluated: 2017-04-25. Review status: criteria provided, single submitter. Criteria: LabCorp Variant Classification Summary - May 2015. Collection method: clinical testing. Allele origin: germline.
Comment: Variant summary: The PRSS1 c.390C>T (p.Thr130Thr) variant involves the alteration of a non-conserved nucleotide, resulting in a synonymous change. One in silico tool (mutation taster) predicts a benign outcome for this variant. 5/5 splice prediction tools predict no significant impact on normal splicing. ESE finder predicts that this variant may affect multiple ESE sites. However, these predictions have yet to be confirmed by functional studies. This variant was found in 28/120840 control chromosomes from ExAC at a frequency of 0.0002317, which is approximately 46 times the estimated maximal expected allele frequency of a pathogenic PRSS1 variant (0.000005), strongly supporting that this variant is likely a benign polymorphism. In addition, co-occurrence of this variant and a pathogenic PRSS1 variant (c.365_366delGCinsAT/p.Arg122His) was observed in one patient with chronic pancreatitis (Rygiel_2015). Taken together, this variant is classified as benign.

Forschungslabor Klinik Innere Medizin A University Medicine Greifswald
Classification: Uncertain significance for Hereditary pancreatitis. Review status: no assertion criteria provided. Collection method: not provided. Allele origin: inherited. Not counted in ClinVar's aggregate classification.
Comment: Result of a ~70bp gene conversion between PRSS1 and PRSS3P2, giving rise to a triple mutant cationic Trypsinogen (p.S115T/p.R116P/p.R122H).
ClinVar note: Converted during submission from unknown to Uncertain significance.

Literature cited by the submitters: PubMed 25546417 (cited by Women's Health and Genetics/Laboratory Corporation of America, LabCorp).